The following is an entry in ClinVar:

NM_000368.5(TSC1):c.1054G>C (p.Val352Leu)

Gene: TSC1 (TSC complex subunit 1; minus strand). Cytogenetic location: 9q34.13.
Variant type: single nucleotide variant.
Coding change: c.1054G>C on transcript NM_000368.5 (MANE Select); coding-DNA position 1054, G replaced by C.
Protein change: p.Val352Leu; replaces valine 352 with leucine.
Molecular consequence: missense variant. On other transcripts: non-coding transcript variant (5).
Genome position (GRCh38, 1-based): chr9:132,911,089, C>G on the plus strand (G>C on the coding strand, the complement: TSC1 is on the minus strand). VCF-style: chr9-132911089-C-G. GRCh37 (hg19) VCF-style: chr9-135786476-C-G.
Other names: c.901G>C, p.Val301Leu (NM_001406613.1, NM_001162427.2, NM_001406610.1 and 2 more transcripts); c.691G>C, p.Val231Leu (NM_001406614.1, NM_001406615.1, NM_001406616.1 and 10 more transcripts); c.1054G>C, p.Val352Leu (NM_001162426.2, NM_001406592.1, NM_001406593.1 and 16 more transcripts); c.103G>C, p.Val35Leu (NM_001406626.1, NM_001406627.1, NM_001406628.1); c.4G>C, p.Val2Leu (NM_001406629.1, NM_001406630.1); short protein forms V35L, V231L, V352L, V301L, V2L.
Identifiers: ClinVar variation 2700739 (VCV002700739.3), dbSNP rs796053447, ClinGen allele CA375367787.

ClinVar aggregate classification (germline): Uncertain significance (1 of 4 stars; one submission).

Conditions:
Tuberous sclerosis 1 (TSC1). Identifiers: Orphanet 805, MedGen C1854465, MONDO:0008612, OMIM 191100.

Submission:

Labcorp Genetics (formerly Invitae), Labcorp
Classification: Uncertain significance for Tuberous sclerosis 1. Last evaluated: 2023-12-04. Review status: criteria provided, single submitter. Criteria: Invitae Variant Classification Sherloc (09022015). Collection method: clinical testing. Allele origin: germline.
Comment: This sequence change replaces valine, which is neutral and non-polar, with leucine, which is neutral and non-polar, at codon 352 of the TSC1 protein (p.Val352Leu). This variant is not present in population databases (gnomAD no frequency). This variant has not been reported in the literature in individuals affected with TSC1-related conditions. Advanced modeling of protein sequence and biophysical properties (such as structural, functional, and spatial information, amino acid conservation, physicochemical variation, residue mobility, and thermodynamic stability) performed at Invitae indicates that this missense variant is not expected to disrupt TSC1 protein function with a negative predictive value of 95%. In summary, the available evidence is currently insufficient to determine the role of this variant in disease. Therefore, it has been classified as a Variant of Uncertain Significance.